The following is an entry in ClinVar:

NM_006306.4(SMC1A):c.2948A>G (p.Tyr983Cys)

Gene: SMC1A (structural maintenance of chromosomes 1A; minus strand). Cytogenetic location: Xp11.22.
Variant type: single nucleotide variant.
Coding change: c.2948A>G on transcript NM_006306.4 (MANE Select); coding-DNA position 2948, A replaced by G.
Protein change: p.Tyr983Cys; replaces tyrosine 983 with cysteine.
Molecular consequence: missense variant.
Genome position (GRCh38, 1-based): chrX:53,394,803, T>C on the plus strand (A>G on the coding strand, the complement: SMC1A is on the minus strand). VCF-style: chrX-53394803-T-C. GRCh37 (hg19) VCF-style: chrX-53421723-T-C.
Other names: c.2948A>G (NM_006306.2); c.2882A>G, p.Tyr961Cys (NM_001281463.1); short protein forms Y961C, Y983C.
Identifiers: ClinVar variation 812178 (VCV000812178.11), dbSNP rs1556887759, ClinGen allele CA413247283.

ClinVar aggregate classification (germline): Pathogenic/Likely pathogenic. Review status: criteria provided, multiple submitters, no conflicts (2 of 4 stars). 5 submissions from 5 submitters: Pathogenic (2); Likely pathogenic (2). 1 of the submissions does not count toward it. Last evaluated 2025-04-09.

Conditions:
Congenital muscular hypertrophy-cerebral syndrome (CDLS2). Also called: Cornelia de Lange syndrome 2; SMC1A-Related Cornelia de Lange Syndrome. Identifiers: Orphanet 199, MedGen C1802395, MONDO:0010370, OMIM 300590.

Submissions (5):

GeneDx
Classification: Pathogenic. Last evaluated: 2025-04-09. Review status: criteria provided, single submitter. Criteria: GeneDx Variant Classification Process June 2021. Collection method: clinical testing. Allele origin: germline. Affected: yes.
Comment: Not observed at significant frequency in large population cohorts (gnomAD); Missense variants in this gene are a common cause of disease and they are underrepresented in the general population; In silico analysis supports that this missense variant has a deleterious effect on protein structure/function; This variant is associated with the following publications: (PMID: 32238909, 38421079, 39825153)

3billion
Classification: Likely pathogenic for Congenital muscular hypertrophy-cerebral syndrome. Last evaluated: 2023-12-02. Review status: criteria provided, single submitter. Criteria: ACMG Guidelines, 2015. Collection method: clinical testing. Allele origin: germline. Affected: yes.
Comment: The variant is not observed in the gnomAD v2.1.1 dataset. Predicted Consequence/Location: Missense changes are a common disease-causing mechanism. In silico tool predictions suggest damaging effect of the variant on gene or gene product [REVEL: 0.81 (>=0.6, sensitivity 0.68 and specificity 0.92); 3Cnet: 0.17 (>=0.6, sensitivity 0.72 and precision 0.9)]. Same nucleotide change resulting in same amino acid change has been previously reported to be associated with SMC1A related disorder (PMID: 32238909). The variant has been previously reported as de novo in a similarly affected individual (PMID: 32238909). Therefore, this variant is classified as Likely pathogenic according to the recommendation of ACMG/AMP guideline.

Labcorp Genetics (formerly Invitae), Labcorp
Classification: Pathogenic for Congenital muscular hypertrophy-cerebral syndrome. Last evaluated: 2023-07-28. Review status: criteria provided, single submitter. Criteria: Invitae Variant Classification Sherloc (09022015). Collection method: clinical testing. Allele origin: germline.
Comment: For these reasons, this variant has been classified as Pathogenic. Advanced modeling of protein sequence and biophysical properties (such as structural, functional, and spatial information, amino acid conservation, physicochemical variation, residue mobility, and thermodynamic stability) performed at Invitae indicates that this missense variant is expected to disrupt SMC1A protein function. ClinVar contains an entry for this variant (Variation ID: 812178). This variant is also known as c.2882A>G (p.Y961C). This missense change has been observed in individual(s) with clinical features of SMC1A-related conditions (PMID: 32238909). In at least one individual the variant was observed to be de novo. This variant is not present in population databases (gnomAD no frequency). This sequence change replaces tyrosine, which is neutral and polar, with cysteine, which is neutral and slightly polar, at codon 983 of the SMC1A protein (p.Tyr983Cys).

Cavalleri Lab, Royal College of Surgeons in Ireland
Classification: Likely pathogenic for Congenital muscular hypertrophy-cerebral syndrome. Last evaluated: 2019-12-11. Review status: criteria provided, single submitter. Criteria: ACMG Guidelines, 2015. Collection method: research. Allele origin: de novo. Inheritance: Sporadic. Affected: yes.
Comment: ACMG evidence PS2, PM2, PP2, PP3

Solve-RD Consortium
Classification: Likely pathogenic for Congenital muscular hypertrophy-cerebral syndrome. Last evaluated: 2022-06-01. Review status: no assertion criteria provided. Collection method: provider interpretation. Allele origin: inherited. Affected: yes. Not counted in ClinVar's aggregate classification.
Comment: Variant confirmed as disease-causing by referring clinical team

Variant identified during reanalysis of unsolved cases by the Solve-RD project. The Solve-RD project has received funding from the European Union’s Horizon 2020 research and innovation programme under grant agreement No 779257.

Literature cited by the submitters: PubMed 32238909 (cited by 3 submitters); PubMed 39825153 (cited by Solve-RD Consortium).